The following is an entry in ClinVar:

NM_000552.5(VWF):c.6430_6432del (p.Leu2144del)

Gene: VWF (von Willebrand factor; minus strand). Cytogenetic location: 12p13.31.
Variant type: Deletion.
Coding change: c.6430_6432del on transcript NM_000552.5 (MANE Select); coding-DNA positions 6430 to 6432, 3 bases deleted (TTA; older notation c.6430_6432delTTA).
Protein change: p.Leu2144del; deletes leucine 2144.
Genome position (GRCh38, 1-based): chr12:5,994,028-5,994,030, TAA deleted on the plus strand (TTA on the coding strand, the reverse complement: VWF is on the minus strand). VCF-style (leftmost placement, unchanged base first): chr12-5994027-GTAA-G. GRCh37 (hg19) VCF-style: chr12-6103193-GTAA-G.
Other names: c.6430_6432delTTA (NM_000552.5); short protein forms L2144del.
Identifiers: ClinVar variation 3896164 (VCV003896164.2).

ClinVar aggregate classification (germline): Uncertain significance (1 of 4 stars; one submission).

Submission:

Women's Health and Genetics/Laboratory Corporation of America, LabCorp
Classification: Uncertain significance. Last evaluated: 2025-04-21. Review status: criteria provided, single submitter. Criteria: LabCorp Variant Classification Summary - May 2015. Collection method: clinical testing. Allele origin: germline.
Comment: Variant summary: VWF c.6430_6432delTTA (p.Leu2144del) results in an in-frame deletion that is predicted to remove one amino acids from the encoded protein. The variant was absent in 251384 control chromosomes. The available data on variant occurrences in the general population are insufficient to allow any conclusion about variant significance. To our knowledge, no occurrence of c.6430_6432delTTA in individuals affected with Von Willebrand Disease and no experimental evidence demonstrating its impact on protein function have been reported. No submitters have cited clinical-significance assessments for this variant to ClinVar. Based on the evidence outlined above, the variant was classified as uncertain significance.